The following is an entry in ClinVar:

NM_000368.5(TSC1):c.1631G>A (p.Gly544Glu)

Gene: TSC1 (TSC complex subunit 1; minus strand). Cytogenetic location: 9q34.13.
Variant type: single nucleotide variant.
Coding change: c.1631G>A on transcript NM_000368.5 (MANE Select); coding-DNA position 1631, G replaced by A.
Protein change: p.Gly544Glu; replaces glycine 544 with glutamic acid.
Molecular consequence: missense variant.
Genome position (GRCh38, 1-based): chr9:132,905,947, C>T on the plus strand (G>A on the coding strand, the complement: TSC1 is on the minus strand). VCF-style: chr9-132905947-C-T. GRCh37 (hg19) VCF-style: chr9-135781334-C-T.
Other names: c.1628G>A, p.Gly543Glu (NM_001162426.2); c.1478G>A, p.Gly493Glu (NM_001162427.2); c.1268G>A, p.Gly423Glu (NM_001362177.2); short protein forms G544E, G493E, G543E, G423E.
Identifiers: ClinVar variation 411282 (VCV000411282.23), dbSNP rs770570830, ClinGen allele CA029247.

ClinVar aggregate classification (germline): Benign/Likely benign. Review status: criteria provided, multiple submitters, no conflicts (2 of 4 stars). 9 submissions from 9 submitters: Benign (5); Likely benign (4). Last evaluated 2026-01-02.

Conditions:
Hereditary cancer-predisposing syndrome. Also called: Neoplastic Syndromes, Hereditary; Tumor predisposition; Hereditary Cancer Syndrome; Hereditary neoplastic syndrome. Identifiers: Orphanet 140162, MedGen C0027672, MeSH D009386, MONDO:0015356.
Tuberous sclerosis syndrome (TSC). Also called: Tuberous Sclerosis Complex; Tuberous sclerosis. Identifiers: Orphanet 805, MedGen C0041341, MONDO:0001734.
Tuberous sclerosis 1 (TSC1). Identifiers: Orphanet 805, MedGen C1854465, MONDO:0008612, OMIM 191100.

Allele frequency attached by ClinVar (database versions not stated): gnomAD 0.00001 and 0.00002; gnomAD exomes 0.00001 and 0.00004; TOPMed 0.00004; ExAC 0.00005.
gnomAD v4.1: 19 of 1,614,002 alleles (0.0012%); highest among the groups gnomAD compares: East Asian, 0.027%; no homozygotes.

Submissions (9):

Labcorp Genetics (formerly Invitae), Labcorp
Classification: Likely benign for Tuberous sclerosis 1. Last evaluated: 2026-01-02. Review status: criteria provided, single submitter. Criteria: Invitae Variant Classification Sherloc (09022015). Collection method: clinical testing. Allele origin: germline.

Myriad Genetics, Inc.
Classification: Likely benign for Tuberous sclerosis 1. Last evaluated: 2024-08-20. Review status: criteria provided, single submitter. Criteria: Myriad Autosomal Dominant, Autosomal Recessive and X-Linked Classification Criteria (2023). Collection method: clinical testing. Allele origin: unknown.
Comment: This variant is considered likely benign. This variant has been observed at a population frequency that is significantly greater than expected given the associated disease prevalence and penetrance.

Blueprint Genetics
Classification: Likely benign. Last evaluated: 2024-03-15. Review status: criteria provided, single submitter. Criteria: ACMG Guidelines, 2015. Collection method: clinical testing. Allele origin: germline.

All of Us Research Program, National Institutes of Health
Classification: Benign for Tuberous sclerosis syndrome. Last evaluated: 2024-02-05. Review status: criteria provided, single submitter. Criteria: ACMG Guidelines, 2015. Collection method: clinical testing. Allele origin: germline. Inheritance: Autosomal dominant inheritance. Observed: 2 variant alleles, 2 heterozygotes.
Comment: This study involves interpretation of variants in research participants for the purpose of population health screening. Participant phenotype was not available at the time of variant classification. Additional details can be found in publication PMID: 35346344, PMCID: PMC8962531

Color Diagnostics, LLC DBA Color Health
Classification: Benign for Tuberous sclerosis syndrome. Last evaluated: 2023-01-13. Review status: criteria provided, single submitter. Criteria: ACMG Guidelines, 2015. Collection method: clinical testing. Allele origin: germline.

Ambry Genetics
Classification: Benign for Hereditary cancer-predisposing syndrome. Last evaluated: 2022-03-15. Review status: criteria provided, single submitter. Criteria: Ambry Variant Classification Scheme 2023. Collection method: clinical testing. Allele origin: germline.

Genome-Nilou Lab
Classification: Benign for Tuberous sclerosis 1. Last evaluated: 2021-11-07. Review status: criteria provided, single submitter. Criteria: ACMG Guidelines, 2015. Collection method: clinical testing. Allele origin: germline. Affected: no.

Sema4
Classification: Likely benign for Hereditary cancer-predisposing syndrome. Last evaluated: 2020-10-29. Review status: criteria provided, single submitter. Criteria: Sema4 Curation Guidelines. Collection method: curation. Allele origin: germline.

GeneDx
Classification: Benign. Last evaluated: 2019-03-27. Review status: criteria provided, single submitter. Criteria: GeneDx Variant Classification Process June 2021. Collection method: clinical testing. Allele origin: germline. Affected: yes.
Comment: This variant is associated with the following publications: (PMID: 29344138, 27229674)

Literature cited by the submitters: PubMed 26580448 (cited by Ambry Genetics); PubMed 27229674 (cited by Ambry Genetics); PubMed 29344138 (cited by Ambry Genetics); PubMed 30548481 (cited by Ambry Genetics); PubMed 31586081 (cited by Ambry Genetics).